The following is an entry in ClinVar:

NM_014915.3(ANKRD26):c.3144G>T (p.Met1048Ile)

Gene: ANKRD26 (ankyrin repeat domain containing 26; minus strand). Cytogenetic location: 10p12.1.
Variant type: single nucleotide variant.
Coding change: c.3144G>T on transcript NM_014915.3 (MANE Select); coding-DNA position 3144, G replaced by T.
Protein change: p.Met1048Ile; replaces methionine 1048 with isoleucine.
Molecular consequence: missense variant.
Genome position (GRCh38, 1-based): chr10:27,035,306, C>A on the plus strand (G>T on the coding strand, the complement: ANKRD26 is on the minus strand). VCF-style: chr10-27035306-C-A. GRCh37 (hg19) VCF-style: chr10-27324235-C-A.
Other names: c.3141G>T, p.Met1047Ile (NM_001256053.2); short protein forms M1048I, M1047I.
Identifiers: ClinVar variation 4103850 (VCV004103850.1).

ClinVar aggregate classification (germline): Uncertain significance (1 of 4 stars; one submission).

Conditions:
Inborn genetic diseases. Identifiers: MedGen C0950123, MeSH D030342.

Submission:

Ambry Genetics
Classification: Uncertain significance for Inborn genetic diseases. Last evaluated: 2025-07-28. Review status: criteria provided, single submitter. Criteria: Ambry Variant Classification Scheme 2023. Collection method: clinical testing. Allele origin: germline.
Comment: The p.M1048I variant (also known as c.3144G>T), located in coding exon 24 of the ANKRD26 gene, results from a G to T substitution at nucleotide position 3144. The methionine at codon 1048 is replaced by isoleucine, an amino acid with highly similar properties. This amino acid position is conserved. In addition, this alteration is predicted to be tolerated by in silico analysis. Based on the available evidence, the clinical significance of this variant remains unclear.